The following is an entry in ClinVar:

ClinVar aggregate classification (germline): Likely pathogenic (1 of 4 stars; one submission).

Conditions:
Tip-toe gait. Also called: Toe walking. Identifiers: MedGen C0427144, HP:0030051.

gnomAD v4.1: 3 of 1,613,988 alleles (0.00019%); highest among the groups gnomAD compares: East Asian, 0.0022%; no homozygotes.

Submission:

Practice for Gait Abnormalities, David Pomarino, Competency Network Toe Walking C/o Practice Pomarino
Classification: Likely pathogenic for Tip-toe gait. Last evaluated: 2024-09-25. Review status: criteria provided, single submitter. Criteria: Pomarino et al. (Glob Med Genet. 2023). Collection method: clinical testing. Allele origin: germline. Affected: yes.
Comment: Heterozygous SBF1 variants were identified in a cohort of children presenting with persistent toe walking and variably associated neuromuscular and musculoskeletal findings, including skeletal abnormalities, gait disturbances, and, in some individuals, developmental features. Pathogenic biallelic SBF1 variants are an established cause of autosomal recessive Charcot–Marie–Tooth disease type 4B3 (CMT4B3). The present study describes heterozygous SBF1 variants in children with persistent toe walking and provides phenotypic context for their potential clinical relevance. However, the study was exploratory and descriptive and did not establish a causal relationship between heterozygous SBF1 variants and persistent toe walking or demonstrate a definitive genotype–phenotype correlation. The authors further noted the absence of segregation/phase determination and the lack of a control cohort as important limitations. Therefore, the clinical phenotype of persistent toe walking should be considered in conjunction with variant-specific evidence when interpreting individual SBF1 variants.

Literature cited by the submitters: PubMed 41737274.

NM_002972.4(SBF1):c.2168C>T (p.Ala723Val)

Gene: SBF1 (SET binding factor 1; minus strand). Cytogenetic location: 22q13.33.
Variant type: single nucleotide variant.
Coding change: c.2168C>T on transcript NM_002972.4 (MANE Select); coding-DNA position 2168, C replaced by T.
Protein change: p.Ala723Val; replaces alanine 723 with valine.
Molecular consequence: missense variant.
Genome position (GRCh38, 1-based): chr22:50,462,433, G>A on the plus strand (C>T on the coding strand, the complement: SBF1 is on the minus strand). VCF-style: chr22-50462433-G-A. GRCh37 (hg19) VCF-style: chr22-50900862-G-A.
Other names: c.2171C>T, p.Ala724Val (NM_001365819.1, NM_001410794.1); c.2168C>T, p.Ala723Val (NM_001410795.1); short protein forms A723V, A724V.
Identifiers: ClinVar variation 4850855 (VCV004850855.2).